The following is an entry in ClinVar:

NM_004006.3(DMD):c.178del (p.Gln60fs)

Gene: DMD (dystrophin; minus strand). Cytogenetic location: Xp21.1.
Variant type: Deletion.
Coding change: c.178del on transcript NM_004006.3 (MANE Select); coding-DNA position 178, one base deleted (C; older notation c.178delC).
Protein change: p.Gln60fs; shifts the reading frame from glutamine 60.
Molecular consequence: frameshift variant. On other transcripts: 5 prime UTR variant (1).
Genome position (GRCh38, 1-based): chrX:32,849,736, G deleted on the plus strand (C on the coding strand, the reverse complement: DMD is on the minus strand). VCF-style (leftmost placement, unchanged base first): chrX-32849735-TG-T. GRCh37 (hg19) VCF-style: chrX-32867852-TG-T.
Other names: c.154del, p.Gln52fs (NM_000109.4); c.166del, p.Gln56fs (NM_004009.3); c.-192del (NM_004010.3); short protein forms Q56fs, Q52fs, Q60fs.
Identifiers: ClinVar variation 847633 (VCV000847633.9), dbSNP rs2080979223, ClinGen allele CA916081264.
Genomic context (GRCh38, chrX:32,849,735, plus strand): 5'-GTCTGAAATTCTACTAAGTTTAAAGTTAACTTTCTTAAAAATAAGTCACATACCAGTTTT[TG>T]CCCTGTCAGGCCTTCGAGGAGGTCTAGGAGGCGCCTCCCATCCTGTAGGTCACTGAAGAG-3'

ClinVar aggregate classification (germline): Pathogenic/Likely pathogenic. Review status: criteria provided, multiple submitters, no conflicts (2 of 4 stars). 2 submissions from 2 submitters: Pathogenic (1); Likely pathogenic (1). Last evaluated 2025-12-01.

Conditions:
Duchenne muscular dystrophy (DMD). Also called: Duchenne Muscular Dystrophy (DMD); MUSCULAR DYSTROPHY, PSEUDOHYPERTROPHIC PROGRESSIVE, DUCHENNE TYPE. Identifiers: Orphanet 98896, MedGen C0013264, MONDO:0010679, OMIM 310200.
Becker muscular dystrophy, Cardiomyopathy, Duchenne muscular dystrophy, Dystrophin deficiency.

Submissions (2):

Labcorp Genetics (formerly Invitae), Labcorp
Classification: Pathogenic for Duchenne muscular dystrophy. Last evaluated: 2025-12-01. Review status: criteria provided, single submitter. Criteria: Invitae Variant Classification Sherloc (09022015). Collection method: clinical testing. Allele origin: germline.
Comment: This sequence change creates a premature translational stop signal (p.Gln60Lysfs*15) in the DMD gene. It is expected to result in an absent or disrupted protein product. Loss-of-function variants in DMD are known to be pathogenic (PMID: 16770791, 25007885). This variant is not present in population databases (gnomAD no frequency). This variant has not been reported in the literature in individuals affected with DMD-related conditions. ClinVar contains an entry for this variant (Variation ID: 847633). For these reasons, this variant has been classified as Pathogenic.

Natera, Inc.
Classification: Likely pathogenic for Becker muscular dystrophy, Cardiomyopathy, Duchenne muscular dystrophy, Dystrophin deficiency. Last evaluated: 2024-12-10. Review status: criteria provided, single submitter. Criteria: Natera Variant Classification Schema (03/2026). Collection method: clinical testing. Allele origin: germline.
Comment: The c.178del variant in DMD is a frameshift variant predicted to shift the reading frame beginning at codon 60 and leads to a stop codon 15 codons downstream. This variant is expected to result in nonsense mediated decay, truncation, or a dysfunctional protein product. This variant is rare in the general population with a frequency below the threshold expected for the associated phenotype(s). Given the available evidence, this variant is classified as Likely Pathogenic.

Literature cited by the submitters: PubMed 16770791 (cited by Labcorp Genetics (formerly Invitae), Labcorp); PubMed 25007885 (cited by Labcorp Genetics (formerly Invitae), Labcorp).